The following is an entry in ClinVar:

ClinVar aggregate classification (germline): Uncertain significance. Review status: criteria provided, multiple submitters, no conflicts (2 of 4 stars). 2 submissions from 2 submitters: Uncertain significance (2). Last evaluated 2024-11-05.

Conditions:
Mucopolysaccharidosis, MPS-III-C (MPS3C). Also called: SANFILIPPO SYNDROME C; MPS III C; mucopolysaccharidosis type 3C; MUCOPOLYSACCHARIDOSIS, TYPE IIIC; MPS IIIC (Sanfilippo Syndrome Type C); Mucopolysaccharidosis type IIIC (Sanfilippo C). Identifiers: Orphanet 581, Orphanet 79271, MedGen C0086649, MONDO:0009657, OMIM 252930.
Retinitis pigmentosa 73 (RP73). Identifiers: Orphanet 791, MedGen C4225287, MONDO:0014687, OMIM 616544.
Inborn genetic diseases. Identifiers: MedGen C0950123, MeSH D030342.

Allele frequency attached by ClinVar (database versions not stated): TOPMed 0.00006; gnomAD exomes below 0.00001; gnomAD 0.00003.
gnomAD v4.1: 6 of 1,062,996 alleles (0.00056%); highest among the groups gnomAD compares: Admixed American, 0.022%; no homozygotes.

Submissions (2):

Labcorp Genetics (formerly Invitae), Labcorp
Classification: Uncertain significance for Retinitis pigmentosa 73; Mucopolysaccharidosis, MPS-III-C. Last evaluated: 2024-11-05. Review status: criteria provided, single submitter. Criteria: Invitae Variant Classification Sherloc (09022015). Collection method: clinical testing. Allele origin: germline.
Comment: This sequence change replaces glycine, which is neutral and non-polar, with valine, which is neutral and non-polar, at codon 5 of the HGSNAT protein (p.Gly5Val). This variant is not present in population databases (gnomAD no frequency). This variant has not been reported in the literature in individuals affected with HGSNAT-related conditions. ClinVar contains an entry for this variant (Variation ID: 2071762). Invitae Evidence Modeling of protein sequence and biophysical properties (such as structural, functional, and spatial information, amino acid conservation, physicochemical variation, residue mobility, and thermodynamic stability) indicates that this missense variant is not expected to disrupt HGSNAT protein function with a negative predictive value of 95%. In summary, the available evidence is currently insufficient to determine the role of this variant in disease. Therefore, it has been classified as a Variant of Uncertain Significance.

Ambry Genetics
Classification: Uncertain significance for Inborn genetic diseases. Last evaluated: 2023-11-18. Review status: criteria provided, single submitter. Criteria: Ambry Variant Classification Scheme 2023. Collection method: clinical testing. Allele origin: germline.

NM_152419.3(HGSNAT):c.14G>T (p.Gly5Val)

Genes: HGSNAT (heparan-alpha-glucosaminide N-acetyltransferase; plus strand), LOC130000316 (ATAC-STARR-seq lymphoblastoid silent region 19164; plus strand). Cytogenetic location: 8p11.21.
Variant type: single nucleotide variant.
Coding change: c.14G>T on transcript NM_152419.3 (MANE Select); coding-DNA position 14, G replaced by T.
Protein change: p.Gly5Val; replaces glycine 5 with valine.
Molecular consequence: missense variant. On other transcripts: 5 prime UTR variant (1).
Genome position (GRCh38, 1-based): chr8:43,140,510, G>T. VCF-style: chr8-43140510-G-T. GRCh37 (hg19) VCF-style: chr8-42995653-G-T.
Other names: c.14G>T, p.Gly5Val (NM_001363227.2, NM_001363228.2); c.-820G>T (NM_001363229.2); c.14G>T (NM_152419.2); short protein forms G5V.
Identifiers: ClinVar variation 2071762 (VCV002071762.4), dbSNP rs1802477714, ClinGen allele CA371124515.